The following is an entry in ClinVar:

ClinVar aggregate classification (germline): Likely pathogenic (1 of 4 stars; one submission).

Conditions:
Ataxia-telangiectasia syndrome (AT). Also called: ATAXIA-TELANGIECTASIA, COMPLEMENTATION GROUP A; ATAXIA-TELANGIECTASIA, FRESNO VARIANT; Ataxia-telangiectasia, complementation group E; Ataxia telangiectasia (A-T); LOUIS-BAR SYNDROME; Cerebello-oculocutaneous telangiectasia. Identifiers: Orphanet 100, MedGen C0004135, MONDO:0008840, OMIM 208900.

Submission:

Labcorp Genetics (formerly Invitae), Labcorp
Classification: Likely pathogenic for Ataxia-telangiectasia syndrome. Last evaluated: 2022-06-28. Review status: criteria provided, single submitter. Criteria: Invitae Variant Classification Sherloc (09022015). Collection method: clinical testing. Allele origin: germline.
Comment: In summary, the currently available evidence indicates that the variant is pathogenic, but additional data are needed to prove that conclusively. Therefore, this variant has been classified as Likely Pathogenic. This variant has not been reported in the literature in individuals affected with ATM-related conditions. This variant results in a copy number gain of the genomic region encompassing exon(s) 26 of the ATM gene. While the exact position of this variant cannot be determined from the data, sub-genic copy number gains are generally in tandem (PMID: 25640679). This variant is predicted to be out-of-frame, and may result in an absent or disrupted protein product. Loss-of-function variants in ATM are known to be pathogenic (PMID: 23807571, 25614872).

Literature cited by the submitters: PubMed 25640679; PubMed 23807571; PubMed 25614872.

NC_000011.10:g.(?_108284217)_(108284483_?)dup

Gene: ATM (ATM serine/threonine kinase; plus strand). Cytogenetic location: 11q22.3.
Variant type: Duplication.
Identifiers: ClinVar variation 831159 (VCV000831159.6).